The following is an entry in ClinVar:

NM_015175.3(NBEAL2):c.4541G>C (p.Gly1514Ala)

Gene: NBEAL2 (neurobeachin like 2; plus strand). Cytogenetic location: 3p21.31.
Variant type: single nucleotide variant.
Coding change: c.4541G>C on transcript NM_015175.3 (MANE Select); coding-DNA position 4541, G replaced by C.
Protein change: p.Gly1514Ala; replaces glycine 1514 with alanine.
Molecular consequence: missense variant.
Genome position (GRCh38, 1-based): chr3:47,001,335, G>C. VCF-style: chr3-47001335-G-C. GRCh37 (hg19) VCF-style: chr3-47042825-G-C.
Other names: c.4439G>C, p.Gly1480Ala (NM_001365116.2); c.4541G>C (NM_015175.1); short protein forms G1480A, G1514A.
Identifiers: ClinVar variation 3366648 (VCV003366648.2).
Genomic context (GRCh38, chr3:47,001,335, plus strand): 5'-CCAGCCTCCTGGAGATGATGCTGGAGTCAGCCCTGACCGACATCAAAGAGGCCCCCGTGG[G>C]GGTCCTGGCCAGCCTCACCCAGCAAGCGCTTTGGCTGCTGCGTCTGCTGCAGGACTTCCT-3'
Protein context (NP_055990.1, residues 1504-1524): ALTDIKEAPV[Gly1514Ala]VLASLTQQAL

ClinVar aggregate classification (germline): Uncertain significance. Review status: criteria provided, multiple submitters, no conflicts (2 of 4 stars). 2 submissions from 2 submitters: Uncertain significance (2). Last evaluated 2024-12-02.

Conditions:
Inborn genetic diseases. Identifiers: MedGen C0950123, MeSH D030342.

gnomAD v4.1: 4 of 1,613,010 alleles (0.00025%); highest among the groups gnomAD compares: Admixed American, 0.0067%; no homozygotes.

Submissions (2):

Ambry Genetics
Classification: Uncertain significance for Inborn genetic diseases. Last evaluated: 2024-12-02. Review status: criteria provided, single submitter. Criteria: Ambry Variant Classification Scheme 2023. Collection method: clinical testing. Allele origin: germline.

Women's Health and Genetics/Laboratory Corporation of America, LabCorp
Classification: Uncertain significance. Last evaluated: 2024-08-22. Review status: criteria provided, single submitter. Criteria: LabCorp Variant Classification Summary - May 2015. Collection method: clinical testing. Allele origin: germline.
Comment: Variant summary: NBEAL2 c.4541G>C (p.Gly1514Ala) results in a non-conservative amino acid change in the encoded protein sequence. Three of five in-silico tools predict a benign effect of the variant on protein function. The variant allele was found at a frequency of 1.2e-05 in 248616 control chromosomes. The available data on variant occurrences in the general population are insufficient to allow any conclusion about variant significance. To our knowledge, no occurrence of c.4541G>C in individuals affected with Gray Platelet Syndrome and no experimental evidence demonstrating its impact on protein function have been reported. No submitters have cited clinical-significance assessments for this variant to ClinVar. Based on the evidence outlined above, the variant was classified as uncertain significance.